The following is an entry in ClinVar:

ClinVar aggregate classification (germline): Likely pathogenic (1 of 4 stars; one submission).

Conditions:
Charcot-Marie-Tooth disease dominant intermediate F. Identifiers: Orphanet 352670, MedGen C4749463, MONDO:0014074, OMIM 615185.

Submission:

Labcorp Genetics (formerly Invitae), Labcorp
Classification: Likely pathogenic for Charcot-Marie-Tooth disease dominant intermediate F. Last evaluated: 2020-10-27. Review status: criteria provided, single submitter. Criteria: Invitae Variant Classification Sherloc (09022015). Collection method: clinical testing. Allele origin: germline.
Comment: This sequence change replaces aspartic acid with glycine at codon 76 of the GNB4 protein (p.Asp76Gly). The aspartic acid residue is highly conserved and there is a moderate physicochemical difference between aspartic acid and glycine. This variant is not present in population databases (ExAC no frequency). In summary, the currently available evidence indicates that the variant is pathogenic, but additional data are needed to prove that conclusively. Therefore, this variant has been classified as Likely Pathogenic. Algorithms developed to predict the effect of sequence changes on RNA splicing suggest that this variant may create or strengthen a splice site, but this prediction has not been confirmed by published transcriptional studies. Algorithms developed to predict the effect of missense changes on protein structure and function are either unavailable or do not agree on the potential impact of this missense change (SIFT: "Deleterious"; PolyPhen-2: "Benign"; Align-GVGD: "Class C0"). This variant has been observed in individual(s) with clinical features of Charcot-Marie-Tooth disease (Invitae). In at least one individual the variant was observed to be de novo.

NM_021629.4(GNB4):c.227A>G (p.Asp76Gly)

Gene: GNB4 (G protein subunit beta 4; minus strand). Cytogenetic location: 3q26.33.
Variant type: single nucleotide variant.
Coding change: c.227A>G on transcript NM_021629.4 (MANE Select); coding-DNA position 227, A replaced by G.
Protein change: p.Asp76Gly; replaces aspartic acid 76 with glycine.
Molecular consequence: missense variant.
Genome position (GRCh38, 1-based): chr3:179,416,533, T>C on the plus strand (A>G on the coding strand, the complement: GNB4 is on the minus strand). VCF-style: chr3-179416533-T-C. GRCh37 (hg19) VCF-style: chr3-179134321-T-C.
Other names: short protein forms D76G.
Identifiers: ClinVar variation 834350 (VCV000834350.9), dbSNP rs1714805406, ClinGen allele CA355470468.